The following is an entry in ClinVar:

NM_000183.3(HADHB):c.565G>A (p.Ala189Thr)

Gene: HADHB (hydroxyacyl-CoA dehydrogenase trifunctional multienzyme complex subunit beta; plus strand). Cytogenetic location: 2p23.3.
Variant type: single nucleotide variant.
Coding change: c.565G>A on transcript NM_000183.3 (MANE Select); coding-DNA position 565, G replaced by A.
Protein change: p.Ala189Thr; replaces alanine 189 with threonine.
Molecular consequence: missense variant.
Genome position (GRCh38, 1-based): chr2:26,278,736, G>A. VCF-style: chr2-26278736-G-A. GRCh37 (hg19) VCF-style: chr2-26501604-G-A.
Other names: c.520G>A, p.Ala174Thr (NM_001281512.2); c.499G>A, p.Ala167Thr (NM_001281513.2); short protein forms A189T, A174T, A167T.
Identifiers: ClinVar variation 424236 (VCV000424236.17), dbSNP rs143683481, ClinGen allele CA1560265.

ClinVar aggregate classification (germline): Uncertain significance. Review status: criteria provided, multiple submitters, no conflicts (2 of 4 stars). 5 submissions from 5 submitters: Uncertain significance (5). Last evaluated 2025-10-21.

Conditions:
Inborn genetic diseases. Identifiers: MedGen C0950123, MeSH D030342.
HADHB-related disorder. Also called: HADHB-related condition.
Mitochondrial trifunctional protein deficiency. Identifiers: Orphanet 746, MedGen C1969443, MONDO:0012172.

Allele frequency attached by ClinVar (database versions not stated): gnomAD exomes 0.00009; ExAC 0.00010; 1000 Genomes Project 30x 0.00016; 1000 Genomes Project 0.00020; gnomAD 0.00028 and 0.00031; TOPMed 0.00030; ESP Exome Variant Server 0.00038.
gnomAD v4.1: 112 of 1,614,052 alleles (0.0069%); highest among the groups gnomAD compares: African/African-American, 0.12%; 1 homozygote.

Submissions (5):

Ambry Genetics
Classification: Uncertain significance for Inborn genetic diseases. Last evaluated: 2025-10-21. Review status: criteria provided, single submitter. Criteria: Ambry Variant Classification Scheme 2023. Collection method: clinical testing. Allele origin: germline.

PreventionGenetics, part of Exact Sciences
Classification: Uncertain significance for HADHB-related condition. Last evaluated: 2025-10-20. Review status: criteria provided, single submitter. Criteria: ACMG Guidelines, 2015. Collection method: clinical testing. Allele origin: germline.
Comment: The HADHB c.565G>A variant is predicted to result in the amino acid substitution p.Ala189Thr. To our knowledge, this variant has not been reported in the literature. This variant is reported in 0.13% of alleles in individuals of African descent in gnomAD. Although we suspect that this variant may be benign, at this time, the clinical significance of this variant is uncertain due to the absence of conclusive functional and genetic evidence.

Labcorp Genetics (formerly Invitae), Labcorp
Classification: Uncertain significance for Mitochondrial trifunctional protein deficiency. Last evaluated: 2022-04-21. Review status: criteria provided, single submitter. Criteria: Invitae Variant Classification Sherloc (09022015). Collection method: clinical testing. Allele origin: germline.
Comment: This sequence change replaces alanine, which is neutral and non-polar, with threonine, which is neutral and polar, at codon 189 of the HADHB protein (p.Ala189Thr). This variant is present in population databases (rs143683481, gnomAD 0.1%). This variant has not been reported in the literature in individuals affected with HADHB-related conditions. ClinVar contains an entry for this variant (Variation ID: 424236). Algorithms developed to predict the effect of missense changes on protein structure and function are either unavailable or do not agree on the potential impact of this missense change (SIFT: "Deleterious"; PolyPhen-2: "Benign"; Align-GVGD: "Class C55"). In summary, the available evidence is currently insufficient to determine the role of this variant in disease. Therefore, it has been classified as a Variant of Uncertain Significance.

GeneDx
Classification: Uncertain significance. Last evaluated: 2021-02-18. Review status: criteria provided, single submitter. Criteria: GeneDx Variant Classification Process June 2021. Collection method: clinical testing. Allele origin: germline. Affected: yes.
Comment: Has not been previously published as pathogenic or benign to our knowledge; In silico analysis supports that this missense variant has a deleterious effect on protein structure/function

Mayo Clinic Laboratories, Mayo Clinic
Classification: Uncertain significance for Mitochondrial trifunctional protein deficiency 1. Last evaluated: 2016-09-23. Review status: criteria provided, single submitter. Criteria: ACMG Guidelines, 2015. Collection method: clinical testing. Allele origin: paternal.